The following is an entry in ClinVar:

NM_001136472.2(LITAF):c.334G>A (p.Gly112Ser)

Gene: LITAF (lipopolysaccharide induced TNF factor; minus strand). Cytogenetic location: 16p13.13.
Variant type: single nucleotide variant.
Coding change: c.334G>A on transcript NM_001136472.2 (MANE Select); coding-DNA position 334, G replaced by A.
Protein change: p.Gly112Ser; replaces glycine 112 with serine.
Molecular consequence: missense variant. On other transcripts: non-coding transcript variant (1).
Genome position (GRCh38, 1-based): chr16:11,553,576, C>T on the plus strand (G>A on the coding strand, the complement: LITAF is on the minus strand). VCF-style: chr16-11553576-C-T. GRCh37 (hg19) VCF-style: chr16-11647432-C-T.
Other names: c.334G>A, p.Gly112Ser (NM_001136473.1, NM_004862.4); short protein forms G112S.
Identifiers: ClinVar variation 6057 (VCV000006057.29), dbSNP rs104894519, ClinGen allele CA340507.

ClinVar aggregate classification (germline): Pathogenic. Review status: criteria provided, multiple submitters, no conflicts (2 of 4 stars). 16 submissions from 16 submitters: Pathogenic (13). 3 of the submissions do not count toward it. Last evaluated 2026-05-01.

Conditions:
LITAF-related disorders.
Charcot-Marie-Tooth disease. Also called: Charcot-Marie-Tooth Hereditary Neuropathy; Charcot-Marie-Tooth Neuropathy. Identifiers: Orphanet 166, MedGen C0007959, MONDO:0015626.
Inborn genetic diseases. Identifiers: MedGen C0950123, MeSH D030342.
Charcot-Marie-Tooth disease type 1C. Also called: CHARCOT-MARIE-TOOTH DISEASE, DEMYELINATING, TYPE 1C; Charcot-Marie-Tooth disease, type IC; CMT, SLOW NERVE CONDUCTION TYPE C; CHARCOT-MARIE-TOOTH NEUROPATHY, TYPE 1C; NEUROPATHY, HEREDITARY MOTOR AND SENSORY, TYPE IC; HMSN IC. Identifiers: Orphanet 101083, MedGen C0270913, MONDO:0010995, OMIM 601098.

Allele frequency attached by ClinVar (database versions not stated): gnomAD exomes below 0.00001; TOPMed below 0.00001.
gnomAD v4.1: 1 of 1,614,082 alleles (0.000062%); highest among the groups gnomAD compares: Non-Finnish European, 0.000085%; no homozygotes.

Submissions (16):

CeGaT Center for Human Genetics Tuebingen
Classification: Pathogenic. Last evaluated: 2026-05-01. Review status: criteria provided, single submitter. Criteria: CeGaT Center For Human Genetics Tuebingen Variant Classification Criteria Version 2. Collection method: clinical testing. Allele origin: germline. Affected: yes. Observed: 1 variant allele.
Comment: LITAF: PP1:Strong, PS4, PM2, PM5:Supporting, PM6:Supporting, PS3:Supporting

Labcorp Genetics (formerly Invitae), Labcorp
Classification: Pathogenic for Charcot-Marie-Tooth disease type 1C. Last evaluated: 2025-10-14. Review status: criteria provided, single submitter. Criteria: Invitae Variant Classification Sherloc (09022015). Collection method: clinical testing. Allele origin: germline.
Comment: This sequence change replaces glycine, which is neutral and non-polar, with serine, which is neutral and polar, at codon 112 of the LITAF protein (p.Gly112Ser). This variant is not present in population databases (gnomAD no frequency). This missense change has been observed in individual(s) with LITAF-related conditions (PMID: 12525712, 15122712, 15776429). It has also been observed to segregate with disease in related individuals. ClinVar contains an entry for this variant (Variation ID: 6057). An algorithm developed to predict the effect of missense changes on protein structure and function (PolyPhen-2) suggests that this variant is likely to be disruptive. Experimental studies have shown that this missense change affects LITAF function (PMID: 23576546, 25058650). For these reasons, this variant has been classified as Pathogenic.

Institute of Human Genetics, University of Leipzig Medical Center
Classification: Pathogenic for Charcot-Marie-Tooth disease type 1C. Last evaluated: 2025-03-04. Review status: criteria provided, single submitter. Criteria: ACMG Guidelines, 2015. Collection method: clinical testing. Allele origin: unknown. Inheritance: Autosomal dominant inheritance. Affected: yes.
Comment: Criteria applied: PS4,PS3_MOD,PM2_SUP,PM5_SUP,PP1,PP2,PP3

Women's Health and Genetics/Laboratory Corporation of America, LabCorp
Classification: Pathogenic for Charcot-Marie-Tooth disease type 1C. Last evaluated: 2025-02-05. Review status: criteria provided, single submitter. Criteria: LabCorp Variant Classification Summary - May 2015. Collection method: clinical testing. Allele origin: germline.
Comment: Variant summary: LITAF c.334G>A (p.Gly112Ser) results in a non-conservative amino acid change located in the LITAF domain (IPR006629) of the encoded protein sequence. Four of five in-silico tools predict a damaging effect of the variant on protein function. The variant was absent in 251186 control chromosomes (gnomAD). c.334G>A has been reported in the literature in several individuals and families affected with Charcot-Marie-Tooth disease type 1C (e.g. Street_2003, Jerath_2017, Park_2022). These data indicate that the variant is very likely to be associated with disease. Publications also reported experimental evidence evaluating an impact on protein function, and demonstrated reduced secretion of LITAF in exosomes (Zhu_2013), which was consistent with the intracellular mislocalization of the mutant protein from the late endosome/lysosome to the mitochondria (Lacerda_2014). The following publications have been ascertained in the context of this evaluation (PMID: 12525712, 28164329, 35608774, 23576546, 25058650). ClinVar contains an entry for this variant (Variation ID: 6057). Based on the evidence outlined above, the variant was classified as pathogenic.

Athena Diagnostics
Classification: Pathogenic. Last evaluated: 2024-09-04. Review status: criteria provided, single submitter. Criteria: Athena Diagnostics Criteria. Collection method: clinical testing. Allele origin: unknown.
Comment: This variant has not been reported in large, multi-ethnic general populations. This variant has been identified in multiple unrelated individuals with clinical features associated with this gene. This variant segregates with disease in multiple families. Assessment of experimental evidence suggests this variant results in abnormal protein function. (PMID: 23576546, 25058650)

ARUP Laboratories, Molecular Genetics and Genomics, ARUP Laboratories
Classification: Pathogenic for Charcot-Marie-Tooth disease type 1C. Last evaluated: 2023-11-28. Review status: criteria provided, single submitter. Criteria: ARUP Molecular Germline Variant Investigation Process 2024. Collection method: clinical testing. Allele origin: germline.
Comment: The LITAF c.334G>A; p.Gly112Ser variant (rs104894519) is reported in the literature in several large families affected with Charcot-Marie-Tooth disease type 1C (Bennett 2004, Klein 2014, Latour 2006, Park 2022, Potulska-Chromik 2012, Saifi 2005, Street 2003). This variant is also reported in ClinVar (Variation ID: 6057), but is absent from the Genome Aggregation Database (v2.1.1), indicating it is not a common polymorphism. Computational analyses predict that this variant is deleterious (REVEL: 0.820), and functional analyses of the variant protein show disrupted protein localization (Lacerda 2014, Zhu 2013). Based on available information, this variant is considered to be pathogenic. References: Bennett CL et al. SIMPLE mutation in demyelinating neuropathy and distribution in sciatic nerve. Ann Neurol. 2004 May;55(5):713-20. PMID: 15122712. Klein CJ et al. Application of whole exome sequencing in undiagnosed inherited polyneuropathies. J Neurol Neurosurg Psychiatry. 2014 Nov;85(11):1265-72. PMID: 24604904. Lacerda AF et al. LITAF mutations associated with Charcot-Marie-Tooth disease 1C show mislocalization from the late endosome/lysosome to the mitochondria. PLoS One. 2014 Jul 24;9(7):e103454. PMID: 25058650. Latour P et al. SIMPLE mutation analysis in dominant demyelinating Charcot-Marie-Tooth disease: three novel mutations. J Peripher Nerv Syst. 2006 Jun;11(2):148-55. PMID: 16787513. Park J et al. Identification and clinical characterization of Charcot-Marie-Tooth disease type 1C patients with LITAF p.G112S mutation. Genes Genomics. 2022 Aug;44(8):1007-1016. PMID: 35608774. Potulska-Chromik A et al. Charcot-Marie-Tooth type 1C disease coexisting with progressive multiple sclerosis: a study of an overlapping syndrome. Folia Neuropathol. 2012;50(4):369-74. PMID: 23319192. Saifi GM et al. SIMPLE mutations in Charcot-Marie-Tooth disease and the potential role of its protein product in protein degradation. Hum Mutat. 2005 Apr;25(4):372-83. PMID: 15776429. Street VA et al. Mutation of a putative protein degradation gene LITAF/SIMPLE in Charcot-Marie-Tooth disease 1C. Neurology. 2003 Jan 14;60(1):22-6. PMID: 12525712. Zhu H et al. Mutation of SIMPLE in Charcot-Marie-Tooth 1C alters production of exosomes. Mol Biol Cell. 2013 Jun;24(11):1619-37, S1-3. PMID: 23576546.

Mayo Clinic Laboratories, Mayo Clinic
Classification: Pathogenic. Last evaluated: 2023-04-03. Review status: criteria provided, single submitter. Criteria: ACMG Guidelines, 2015. Collection method: clinical testing. Allele origin: germline. Observed: 4 variant alleles.

Ambry Genetics
Classification: Pathogenic for Inborn genetic diseases. Last evaluated: 2022-12-30. Review status: criteria provided, single submitter. Criteria: Ambry Variant Classification Scheme 2023. Collection method: clinical testing. Allele origin: germline.
Comment: The c.334G>A (p.G112S) alteration is located in exon 3 (coding exon 2) of the LITAF gene. This alteration results from a G to A substitution at nucleotide position 334, causing the glycine (G) at amino acid position 112 to be replaced by a serine (S). This variant was not reported in population-based cohorts in the Genome Aggregation Database (gnomAD). This alteration has been detected in numerous individuals or families with inherited peripheral neuropathy phenotypes, such as Charcot-Marie-Tooth disease (Street, 2003; Bennett, 2004; Saifi, 2005; Latour, 2006; Potulska-Chromik, 2012; Klein, 2014; Jerath, 2017; Khosa, 2020; Vogt, 2020; Volodarsky, 2021). Another alteration at the same codon, c.335G>C (p.G112A), has been detected in an individual with Charcot-Marie-Tooth 1C (Guimar&atilde;es-Costa, 2017). This amino acid position is highly conserved in available vertebrate species. Functional studies demonstrated that the p.G112S alteration reduced secreted LITAF in exosomes (Zhu, 2013) and mislocalized from the late endosome/lysosome to the mitochondria (Lacerda, 2014). This alteration is predicted to be deleterious by in silico analysis. Based on the available evidence, this alteration is classified as pathogenic.

Clinical Genetics Laboratory, Skane University Hospital Lund
Classification: Pathogenic. Last evaluated: 2022-07-13. Review status: criteria provided, single submitter. Criteria: ACMG Guidelines, 2015. Collection method: clinical testing. Allele origin: germline. Affected: yes.

Blueprint Genetics
Classification: Pathogenic for LITAF-related disorders. Last evaluated: 2022-06-14. Review status: criteria provided, single submitter. Criteria: ACMG Guidelines, 2015. Collection method: clinical testing. Allele origin: germline. Affected: yes. Observed: 2 variant alleles.

MGZ Medical Genetics Center
Classification: Pathogenic for Charcot-Marie-Tooth disease type 1C. Last evaluated: 2022-05-06. Review status: criteria provided, single submitter. Criteria: ACMG Guidelines, 2015. Collection method: clinical testing. Allele origin: germline. Affected: yes. Observed: 1 variant allele.
Comment: ACMG criteria applied: PP1_STR, PS3_MOD, PS4_MOD, PM1, PM5, PM2_SUP, PP3

GeneDx
Classification: Pathogenic. Last evaluated: 2021-02-24. Review status: criteria provided, single submitter. Criteria: GeneDx Variant Classification Process June 2021. Collection method: clinical testing. Allele origin: germline. Affected: yes.
Comment: Published functional studies demonstrate that G112S alters the intracellular localization of LITAF protein as well as the production of exosomes (Zhu et al., 2013; Lacerda et al., 2014); Not observed in large population cohorts (Lek et al., 2016); This variant is associated with the following publications: (PMID: 20301384, 15776429, 12525712, 27549087, 28981955, 15786462, 1407588, 2239969, 23319192, 23576546, 25058650, 15122712, 24604904, 32399692, 33359733, 30373780, 31211173, 31827005, 32665875, 28211240, 32376792)

Molecular Genetics Laboratory, London Health Sciences Centre
Classification: Pathogenic for Charcot-Marie-Tooth disease. Review status: criteria provided, single submitter. Criteria: ACMG Guidelines, 2015. Collection method: clinical testing. Allele origin: germline. Affected: yes.

OMIM
Classification: Pathogenic for CHARCOT-MARIE-TOOTH DISEASE, TYPE 1C. Last evaluated: 2005-04-01. Review status: no assertion criteria provided. Collection method: literature only. Allele origin: germline. Not counted in ClinVar's aggregate classification.

GeneReviews
No classification provided. Condition: Charcot-Marie-Tooth disease type 1C. Review status: no classification provided. Collection method: literature only. Allele origin: unknown. Not counted in ClinVar's aggregate classification.

Genomics England Pilot Project, Genomics England
Classification: Likely pathogenic for Charcot-Marie-Tooth disease type 1C. Review status: no assertion criteria provided. Criteria: ACGS Guidelines, 2016. Collection method: clinical testing. Allele origin: germline. Affected: yes. Not counted in ClinVar's aggregate classification.

Literature cited by the submitters: PubMed 12525712 (cited by 6 submitters); PubMed 15122712 (cited by 4 submitters); PubMed 15776429 (cited by 5 submitters); PubMed 23576546 (cited by 5 submitters); PubMed 25058650 (cited by 5 submitters); PubMed 28164329 (cited by 3 submitters); PubMed 35608774 (cited by Women's Health and Genetics/Laboratory Corporation of America, LabCorp); PubMed 27549087 (cited by Athena Diagnostics and Mayo Clinic Laboratories, Mayo Clinic); PubMed 28211240 (cited by Athena Diagnostics and Ambry Genetics); PubMed 32376792 (cited by Athena Diagnostics and Ambry Genetics); PubMed 15786462 (cited by 3 submitters); PubMed 16787513 (cited by 3 submitters); PubMed 23319192 (cited by Athena Diagnostics and Ambry Genetics); PubMed 24604904 (cited by 3 submitters); PubMed 32665875 (cited by Athena Diagnostics and Ambry Genetics); PubMed 32399692 (cited by Athena Diagnostics and Ambry Genetics); PubMed 2239969 (cited by Athena Diagnostics and OMIM); PubMed 1407588 (cited by OMIM); PubMed 20301384 (cited by GeneReviews); NCBI Bookshelf NBK1205 (cited by GeneReviews).